The following is an entry in ClinVar:

ClinVar aggregate classification (germline): Uncertain significance (1 of 4 stars; one submission).

Submission:

GeneDx
Classification: Uncertain significance. Last evaluated: 2025-05-14. Review status: criteria provided, single submitter. Criteria: GeneDx Variant Classification Process June 2021. Collection method: clinical testing. Allele origin: germline. Affected: yes.
Comment: Not observed at significant frequency in large population cohorts (gnomAD); In silico analysis supports that this missense variant has a deleterious effect on protein structure/function; Has not been previously published as pathogenic or benign to our knowledge

NM_015267.4(CUX2):c.1729G>C (p.Gly577Arg)

Gene: CUX2 (cut like homeobox 2; plus strand). Cytogenetic location: 12q24.12.
Variant type: single nucleotide variant.
Coding change: c.1729G>C on transcript NM_015267.4 (MANE Select); coding-DNA position 1729, G replaced by C.
Protein change: p.Gly577Arg; replaces glycine 577 with arginine.
Molecular consequence: missense variant.
Genome position (GRCh38, 1-based): chr12:111,310,511, G>C. VCF-style: chr12-111310511-G-C. GRCh37 (hg19) VCF-style: chr12-111748315-G-C.
Other names: c.1543G>C, p.Gly515Arg (NM_001370598.1); short protein forms G515R, G577R.
Identifiers: ClinVar variation 4529821 (VCV004529821.1).